The following is an entry in ClinVar:

NM_020117.11(LARS1):c.2148+190G>C

Gene: LARS1 (leucyl-tRNA synthetase 1; minus strand). Cytogenetic location: 5q32.
Variant type: single nucleotide variant.
Coding change: c.2148+190G>C on transcript NM_020117.11 (MANE Select); 190 bases into the intron after coding-DNA position 2148, G replaced by C.
Molecular consequence: intron variant.
Genome position (GRCh38, 1-based): chr5:146,140,014, C>G on the plus strand (G>C on the coding strand, the complement: LARS1 is on the minus strand). VCF-style: chr5-146140014-C-G. GRCh37 (hg19) VCF-style: chr5-145519577-C-G.
Other names: c.1986+190G>C (NM_001317965.2); c.2067+190G>C (NM_016460.4); c.2010+190G>C (NM_001317964.2).
Identifiers: ClinVar variation 684158 (VCV000684158.1), dbSNP rs76304107, ClinGen allele CA11984000.
Genomic context (GRCh38, chr5:146,140,014, plus strand): 5'-TCATATTATTTCTTATTTATTTACTAATTTTTTGGTAGAGATGGGGTCTCACTATATCGT[C>G]CAGGCTGGTCTTGAACTCCTGGCCTCAAGTGATCCTCCCACCTTGGCCTCCCAAAGCTCT-3'

ClinVar aggregate classification (germline): Benign (1 of 4 stars; one submission).

Allele frequency attached by ClinVar (database versions not stated): 1000 Genomes Project 30x 0.08776; 1000 Genomes Project 0.08806; TOPMed 0.11012; gnomAD 0.11919 and 0.12068.
gnomAD v4.1: 18,185 of 151,964 alleles (12%); highest among the groups gnomAD compares: Non-Finnish European, 15%; 1,239 homozygotes.

Submission:

GeneDx
Classification: Benign. Last evaluated: 2018-06-14. Review status: criteria provided, single submitter. Criteria: GeneDx Variant Classification (06012015). Collection method: clinical testing. Allele origin: germline. Affected: yes.
Comment: This variant is considered likely benign or benign based on one or more of the following criteria: it is a conservative change, it occurs at a poorly conserved position in the protein, it is predicted to be benign by multiple in silico algorithms, and/or has population frequency not consistent with disease.